The following is an entry in ClinVar:

NM_007194.4(CHEK2):c.-6_2delinsA (p.Met1fs)

Gene: CHEK2 (checkpoint kinase 2; minus strand). Cytogenetic location: 22q12.1.
Variant type: Indel.
Coding change: c.-6_2delinsA on transcript NM_007194.4 (MANE Select); 6 bases upstream of the start codon through coding-DNA position 2, GTCGTGAT replaced by A.
Protein change: p.Met1fs; shifts the reading frame from methionine 1.
Molecular consequence: frameshift variant, initiator codon variant.
Genome position (GRCh38, 1-based): chr22:28,734,720-28,734,727, ATCACGAC replaced by T on the plus strand (GTCGTGAT replaced by A on the coding strand, the reverse complement: CHEK2 is on the minus strand). VCF-style: chr22-28734720-ATCACGAC-T. GRCh37 (hg19) VCF-style: chr22-29130708-ATCACGAC-T.
Other names: c.-6_2delGTCGTGATinsA, p.Met(?_1)_Met1(?) (NM_001005735.3, NM_001349956.3, NM_145862.3); c.-783_-776delGTCGTGATinsA (NM_001257387.3); short protein forms M1fs.
Identifiers: ClinVar variation 2583214 (VCV002583214.2), dbSNP rs2518136516, ClinGen allele CA2582342788.
Genomic context (GRCh38, chr22:28,734,720, plus strand): 5'-GGCTGTGAACAGGCACTGCTGCCATGAGACTGCTGAGCCTCAACATCCGACTCCCGAGAC[ATCACGAC>T]CTCAAAAAGAAAGTGTCCAACAACAAAGGTGAGTTTCAAGGCACAAGACTTAAAATTAAA-3'

ClinVar aggregate classification (germline): Likely pathogenic (1 of 4 stars; one submission).

Conditions:
Familial cancer of breast. Also called: Hereditary breast cancer; BREAST CANCER, FAMILIAL; hereditary breast carcinoma. Identifiers: Orphanet 227535, MedGen C0346153, MONDO:0016419, OMIM 114480. Disease mechanism: loss of function.

Submission:

Myriad Genetics, Inc.
Classification: Likely pathogenic for Familial cancer of breast. Last evaluated: 2023-06-22. Review status: criteria provided, single submitter. Criteria: Myriad Autosomal Dominant, Autosomal Recessive and X-Linked Classification Criteria (2023). Collection method: clinical testing. Allele origin: unknown.
Comment: This variant is considered likely pathogenic. This variant is located within the gene translation start codon (p.Met1?) and is predicted to result in abnormal protein translation.